The following is an entry in ClinVar:

ClinVar aggregate classification (germline): Uncertain significance (1 of 4 stars; one submission).

Submission:

Women's Health and Genetics/Laboratory Corporation of America, LabCorp
Classification: Uncertain significance. Last evaluated: 2026-06-15. Review status: criteria provided, single submitter. Criteria: LabCorp Variant Classification Summary - May 2015. Collection method: clinical testing. Allele origin: germline.
Comment: Variant summary: The variant involves the deletion of exons 3-18 in the CPED1 gene. A presumed nomenclature of c.(249+1_250-1)_(2310+1_2311-1)del has been designated for the purposes of this classification. This Copy Number Variant (CNV) is predicted to result in an in-frame deletion within this gene. Current evidence is not sufficient to establish loss of function as a mechanism for disease. The variant was absent in 21694 control chromosomes in the gnomAD database (Structural Variants v4.1 dataset). The available data on variant occurrences in the general population are insufficient to allow any conclusion about variant significance. To our knowledge, no occurrence of c.(249+1_250-1)_(2310+1_2311-1)del in individuals affected with CPED1-related conditions and no experimental evidence demonstrating its impact on protein function have been reported. No submitters have cited clinical-significance assessments for this variant to ClinVar. Based on the evidence outlined above, the variant was classified as uncertain significance.

NC_000007.13:g.(120629925_120655718)_(120884393_120906280)del

Gene: CPED1 (cadherin like and PC-esterase domain containing 1; plus strand). Cytogenetic location: 7q31.31.
Variant type: Deletion.
Identifiers: ClinVar variation 4887256 (VCV004887256.1).